The following is an entry in ClinVar:

ClinVar aggregate classification (germline): Conflicting classifications of pathogenicity. Review status: criteria provided, conflicting classifications (1 of 4 stars). 2 submissions from 2 submitters: Uncertain significance (1); Likely benign (1). Last evaluated 2023-11-03.

Conditions:
Long QT syndrome (LQTS). Identifiers: MedGen C0023976, MeSH D008133, MONDO:0002442. Disease mechanism: loss of function. Inheritance: Various modes of inheritance.
Cardiovascular phenotype. Identifiers: MedGen CN230736.

Allele frequency attached by ClinVar (database versions not stated): gnomAD exomes 0.00001; ExAC 0.00002.
gnomAD v4.1: 3 of 1,611,956 alleles (0.00019%); highest among the groups gnomAD compares: Non-Finnish European, 0.00025%; no homozygotes.

Submissions (2):

Ambry Genetics
Classification: Likely benign for Cardiovascular phenotype. Last evaluated: 2023-11-03. Review status: criteria provided, single submitter. Criteria: Ambry Variant Classification Scheme 2023. Collection method: clinical testing. Allele origin: germline.

Labcorp Genetics (formerly Invitae), Labcorp
Classification: Uncertain significance for Long QT syndrome. Last evaluated: 2023-08-14. Review status: criteria provided, single submitter. Criteria: Invitae Variant Classification Sherloc (09022015). Collection method: clinical testing. Allele origin: germline.
Comment: In summary, the available evidence is currently insufficient to determine the role of this variant in disease. Therefore, it has been classified as a Variant of Uncertain Significance. Algorithms developed to predict the effect of missense changes on protein structure and function output the following: SIFT: "Not Available"; PolyPhen-2: "Benign"; Align-GVGD: "Not Available". The alanine amino acid residue is found in multiple mammalian species, which suggests that this missense change does not adversely affect protein function. This variant has not been reported in the literature in individuals affected with AKAP9-related conditions. This variant is present in population databases (rs765976119, gnomAD 0.002%). This sequence change replaces threonine, which is neutral and polar, with alanine, which is neutral and non-polar, at codon 1285 of the AKAP9 protein (p.Thr1285Ala).

NM_005751.5(AKAP9):c.3853A>G (p.Thr1285Ala)

Gene: AKAP9 (A-kinase anchoring protein 9; plus strand). Cytogenetic location: 7q21.2.
Variant type: single nucleotide variant.
Coding change: c.3853A>G on transcript NM_005751.5 (MANE Select); coding-DNA position 3853, A replaced by G.
Protein change: p.Thr1285Ala; replaces threonine 1285 with alanine.
Molecular consequence: missense variant.
Genome position (GRCh38, 1-based): chr7:92,022,253, A>G. VCF-style: chr7-92022253-A-G. GRCh37 (hg19) VCF-style: chr7-91651567-A-G.
Other names: c.3853A>G, p.Thr1285Ala (NM_147185.3); short protein forms T1285A.
Identifiers: ClinVar variation 2870374 (VCV002870374.4), dbSNP rs765976119, ClinGen allele CA4336417.
Genomic context (GRCh38, chr7:92,022,253, plus strand): 5'-GATTATGTATTTATGTTACTGCTTTTATTCTGTGGTTTTCAATAGATCTGGGGACAGCAG[A>G]CAGATGGTATGAAACTTGAATTTGGAGAAGAAAACCTTCCAAAAGAGGAAACAGAGTTTT-3'
Protein context (NP_005742.4, residues 1275-1295): TRLSKIWGQQ[Thr1285Ala]DGMKLEFGEE